The following is an entry in ClinVar:

NM_014712.3(SETD1A):c.3423G>A (p.Pro1141=)

Gene: SETD1A (SET domain containing 1A, histone lysine methyltransferase; plus strand). Cytogenetic location: 16p11.2.
Variant type: single nucleotide variant.
Coding change: c.3423G>A on transcript NM_014712.3 (MANE Select); coding-DNA position 3423, G replaced by A.
Protein change: p.Pro1141=; no amino-acid change (proline 1141 retained).
Molecular consequence: synonymous variant.
Genome position (GRCh38, 1-based): chr16:30,979,209, G>A. VCF-style: chr16-30979209-G-A. GRCh37 (hg19) VCF-style: chr16-30990530-G-A.
Identifiers: ClinVar variation 3040782 (VCV003040782.2), dbSNP rs201803472, ClinGen allele CA8017278.
Genomic context (GRCh38, chr16:30,979,209, plus strand): 5'-CACGGAGGAGTCACCCCCCAGTGCGCCTCTGCGTCCCCCAGAACCACCTGCTGGGCCCCC[G>A]GCCCCTGCCCCACGCCCCGATGAGCGTCCCTCTTCTCCCATCCCCCTCCTGCCCCCACCC-3'
Protein context (NP_055527.1, residues 1131-1151): LRPPEPPAGP[Pro1141=]APAPRPDERP

ClinVar aggregate classification (germline): Likely benign (0 of 4 stars; one submission).

Conditions:
SETD1A-related disorder. Also called: SETD1A-related condition.

Allele frequency attached by ClinVar (database versions not stated): gnomAD exomes 0.00011; ExAC 0.00049; gnomAD 0.00104; 1000 Genomes Project 30x 0.00156; 1000 Genomes Project 0.00160.
gnomAD v4.1: 288 of 1,386,682 alleles (0.021%); highest among the groups gnomAD compares: African/African-American, 0.35%; no homozygotes.

Submission:

PreventionGenetics, part of Exact Sciences
Classification: Likely benign for SETD1A-related condition. Last evaluated: 2020-09-30. Review status: no assertion criteria provided. Collection method: clinical testing. Allele origin: germline.
Comment: This variant is classified as likely benign based on ACMG/AMP sequence variant interpretation guidelines (Richards et al. 2015 PMID: 25741868, with internal and published modifications).